The following is an entry in ClinVar:

ClinVar aggregate classification (germline): Uncertain significance. Review status: criteria provided, multiple submitters, no conflicts (2 of 4 stars). 2 submissions from 2 submitters: Uncertain significance (2). Last evaluated 2023-12-04.

Conditions:
Hereditary cancer-predisposing syndrome. Also called: Neoplastic Syndromes, Hereditary; Tumor predisposition; Hereditary neoplastic syndrome; Hereditary Cancer Syndrome. Identifiers: Orphanet 140162, MedGen C0027672, MeSH D009386, MONDO:0015356.
Hereditary breast ovarian cancer syndrome. Also called: Hereditary breast and ovarian cancer syndrome; Hereditary breast and ovarian cancer; Hereditary breast and ovarian cancer syndrome (HBOC); Breast and ovarian cancer; Hereditary breast and/or ovarian cancer syndrome; BRCA1- and BRCA2-Associated Hereditary Breast and Ovarian Cancer. Identifiers: Orphanet 145, MedGen C0677776, MeSH D061325, MONDO:0003582. Disease mechanism: loss of function.

Allele frequency attached by ClinVar (database versions not stated): gnomAD exomes below 0.00001.
gnomAD v4.1: 1 of 1,612,980 alleles (0.000062%); highest among the groups gnomAD compares: Non-Finnish European, 0.000085%; no homozygotes.

Submissions (2):

Color Diagnostics, LLC DBA Color Health
Classification: Uncertain significance for Hereditary cancer-predisposing syndrome. Last evaluated: 2023-12-04. Review status: criteria provided, single submitter. Criteria: ACMG Guidelines, 2015. Collection method: clinical testing. Allele origin: germline.
Comment: This missense variant replaces asparagine with serine at codon 2460 of the BRCA2 protein. Computational prediction suggests that this variant may not impact protein structure and function (internally defined REVEL score threshold <= 0.5, PMID: 27666373). To our knowledge, functional studies have not been reported for this variant. This variant has not been reported in individuals affected with BRCA2-related disorders in the literature. This variant has not been identified in the general population by the Genome Aggregation Database (gnomAD). The available evidence is insufficient to determine the role of this variant in disease conclusively. Therefore, this variant is classified as a Variant of Uncertain Significance.

Labcorp Genetics (formerly Invitae), Labcorp
Classification: Uncertain significance for Hereditary breast ovarian cancer syndrome. Last evaluated: 2021-03-31. Review status: criteria provided, single submitter. Criteria: Invitae Variant Classification Sherloc (09022015). Collection method: clinical testing. Allele origin: germline.
Comment: In summary, the available evidence is currently insufficient to determine the role of this variant in disease. Therefore, it has been classified as a Variant of Uncertain Significance. Advanced modeling of protein sequence and biophysical properties (such as structural, functional, and spatial information, amino acid conservation, physicochemical variation, residue mobility, and thermodynamic stability) performed at Invitae indicates that this missense variant is not expected to disrupt BRCA2 protein function. This variant has not been reported in the literature in individuals with BRCA2-related conditions. ClinVar contains an entry for this variant (Variation ID: 629476). This variant is not present in population databases (ExAC no frequency). This sequence change replaces asparagine with serine at codon 2460 of the BRCA2 protein (p.Asn2460Ser). The asparagine residue is weakly conserved and there is a small physicochemical difference between asparagine and serine.

NM_000059.4(BRCA2):c.7379A>G (p.Asn2460Ser)

Gene: BRCA2 (BRCA2 DNA repair associated; plus strand). Cytogenetic location: 13q13.1.
Variant type: single nucleotide variant.
Coding change: c.7379A>G on transcript NM_000059.4 (MANE Select); coding-DNA position 7379, A replaced by G.
Protein change: p.Asn2460Ser; replaces asparagine 2460 with serine.
Molecular consequence: missense variant.
Genome position (GRCh38, 1-based): chr13:32,355,232, A>G. VCF-style: chr13-32355232-A-G. GRCh37 (hg19) VCF-style: chr13-32929369-A-G.
Other names: short protein forms N2460S.
Identifiers: ClinVar variation 629476 (VCV000629476.13), dbSNP rs1566241254, ClinGen allele CA387741667.